The following is an entry in ClinVar:

ClinVar aggregate classification (germline): Pathogenic/Likely pathogenic. Review status: criteria provided, multiple submitters, no conflicts (2 of 4 stars). 2 submissions from 2 submitters: Pathogenic (1); Likely pathogenic (1). Last evaluated 2024-03-06.

Conditions:
Cockayne syndrome type 2 (CSB). Also called: Cockayne Syndrome, Type II; COCKAYNE SYNDROME B. Identifiers: Orphanet 191, Orphanet 90322, MedGen C0751038, MONDO:0019570, OMIM 133540.
DE SANCTIS-CACCHIONE SYNDROME. Identifiers: MedGen C0265201, MONDO:0010217, OMIM 278800.
Age related macular degeneration 5. Identifiers: MedGen C3151063, MONDO:0013409, OMIM 613761.
UV-sensitive syndrome 1 (UVSS1). Identifiers: Orphanet 178338, MedGen C3551173, MONDO:0010909, OMIM 600630.
Premature ovarian failure 11 (POF11). Identifiers: MedGen C4310783, MONDO:0014843, OMIM 616946.
Lung cancer. Also called: Malignant tumor of lung; Lung cancer, somatic. Identifiers: MedGen C0242379, MONDO:0008903, OMIM 211980.
Cerebrooculofacioskeletal syndrome 1 (COFS1). Also called: Cerebro-oculo-facio-skeletal syndrome 1. Identifiers: MedGen C0220722, MONDO:0008955, OMIM 214150.

Allele frequency attached by ClinVar (database versions not stated): TOPMed below 0.00001; gnomAD exomes 0.00001.
gnomAD v4.1: 3 of 1,614,228 alleles (0.00019%); highest among the groups gnomAD compares: Non-Finnish European, 0.00025%; no homozygotes.

Submissions (2):

Fulgent Genetics
Classification: Likely pathogenic for Cockayne syndrome type 2; Lung cancer; Cerebrooculofacioskeletal syndrome 1; DE SANCTIS-CACCHIONE SYNDROME; UV-sensitive syndrome 1; Age related macular degeneration 5; Premature ovarian failure 11. Last evaluated: 2024-03-06. Review status: criteria provided, single submitter. Criteria: ACMG Guidelines, 2015. Collection method: clinical testing. Allele origin: germline.

GeneDx
Classification: Pathogenic. Last evaluated: 2017-06-02. Review status: criteria provided, single submitter. Criteria: GeneDx Variant Classification (06012015). Collection method: clinical testing. Allele origin: germline. Affected: yes.
Comment: The E119X variant in the ERCC6 gene has not been reported previously as a pathogenic variant nor as a benign variant, to our knowledge. This variant is predicted to cause loss of normal protein function either through protein truncation or nonsense-mediated mRNA decay. The E119X variant is not observed in large population cohorts (Lek et al., 2016; 1000 Genomes Consortium et al., 2015; Exome Variant Server). We interpret E119X as a pathogenic variant.

NM_000124.4(ERCC6):c.355G>T (p.Glu119Ter)

Gene: ERCC6 (ERCC excision repair 6, chromatin remodeling factor; minus strand). Cytogenetic location: 10q11.23.
Variant type: single nucleotide variant.
Coding change: c.355G>T on transcript NM_000124.4 (MANE Select); coding-DNA position 355, G replaced by T.
Protein change: p.Glu119Ter; replaces glutamic acid 119 with a stop codon.
Molecular consequence: nonsense.
Genome position (GRCh38, 1-based): chr10:49,532,610, C>A on the plus strand (G>T on the coding strand, the complement: ERCC6 is on the minus strand). VCF-style: chr10-49532610-C-A. GRCh37 (hg19) VCF-style: chr10-50740656-C-A.
Other names: c.355G>T, p.Glu119Ter (NM_001277058.2, NM_001277059.2, NM_001346440.2); short protein forms E119*.
Identifiers: ClinVar variation 432341 (VCV000432341.3), dbSNP rs1554794590, ClinGen allele CA376712170.
Genomic context (GRCh38, chr10:49,532,610, plus strand): 5'-CATCCAGGACCGACCGATACTCCTTCTCCACGTCAACGAGCTGGGAGGCACGGCTGGCCT[C>A]ATGGATGGCATTGTCCACCTGCTGAAGCACTCCCTGTTCCAGCACGTCCTGGTCATAGAC-3'